The following is an entry in ClinVar:

NM_022039.4(FBXW4):c.1409A>T (p.Tyr470Phe)

Gene: FBXW4 (F-box and WD repeat domain containing 4; minus strand). Cytogenetic location: 10q24.32.
Variant type: single nucleotide variant.
Coding change: c.1409A>T on transcript NM_022039.4 (MANE Select); coding-DNA position 1409, A replaced by T.
Protein change: p.Tyr470Phe; replaces tyrosine 470 with phenylalanine.
Molecular consequence: missense variant. On other transcripts: non-coding transcript variant (1).
Genome position (GRCh38, 1-based): chr10:101,612,370, T>A on the plus strand (A>T on the coding strand, the complement: FBXW4 is on the minus strand). VCF-style: chr10-101612370-T-A. GRCh37 (hg19) VCF-style: chr10-103372127-T-A.
Other names: c.683A>T, p.Tyr228Phe (NM_001323541.2); short protein forms Y228F, Y470F.
Identifiers: ClinVar variation 3349794 (VCV003349794.2).

ClinVar aggregate classification (germline): Uncertain significance (1 of 4 stars; one submission).

Conditions:
FBXW4-related disorder. Also called: FBXW4-related condition.

gnomAD v4.1: 8 of 1,593,126 alleles (0.0005%); highest among the groups gnomAD compares: African/African-American, 0.0094%; no homozygotes.

Submission:

PreventionGenetics, part of Exact Sciences
Classification: Uncertain significance for FBXW4-related condition. Last evaluated: 2025-07-17. Review status: criteria provided, single submitter. Criteria: ACMG Guidelines, 2015. Collection method: clinical testing. Allele origin: germline.
Comment: The FBXW4 c.944A>T variant is predicted to result in the amino acid substitution p.Tyr315Phe. To our knowledge, this variant has not been reported in the literature or in a large population database (gnomAD), indicating this variant is rare. At this time, the clinical significance of this variant is uncertain due to the absence of conclusive functional and genetic evidence.